The following is an entry in ClinVar:

ClinVar aggregate classification (germline): Conflicting classifications of pathogenicity. Review status: criteria provided, conflicting classifications (1 of 4 stars). 10 submissions from 10 submitters: Uncertain significance (9); Likely benign (1). Last evaluated 2026-04-30.

Conditions:
Nephrotic syndrome. Identifiers: MedGen C0027726, MONDO:0005377, HP:0000100.
Macrothrombocytopenia and granulocyte inclusions with or without nephritis or sensorineural hearing loss (MATINS). Also called: BLEEDING DISORDER, PLATELET-TYPE, 6; MAY-HEGGLIN ANOMALY; MACROTHROMBOCYTOPENIA WITH LEUKOCYTE INCLUSIONS; Fechtner syndrome; Epstein syndrome; Giant platelet syndrome with thrombocytopenia. Identifiers: Orphanet 182050, MedGen C5200934, MONDO:0015912, OMIM 155100.
Autosomal dominant nonsyndromic hearing loss 17. Also called: Deafness, autosomal dominant 17; Autosomal dominant nonsyndromic deafness 17. Identifiers: Orphanet 90635, MedGen C1863659, MONDO:0011350, OMIM 603622.
Inborn genetic diseases. Identifiers: MedGen C0950123, MeSH D030342.

Allele frequency attached by ClinVar (database versions not stated): ExAC 0.00007; gnomAD exomes 0.00007; TOPMed 0.00007; gnomAD 0.00008 and 0.00009; 1000 Genomes Project 30x 0.00016; 1000 Genomes Project 0.00020.
gnomAD v4.1: 125 of 1,614,018 alleles (0.0077%); highest among the groups gnomAD compares: Admixed American, 0.013%; no homozygotes.

Submissions (10):

Laboratory of Molecular, Cellular and Translation Genetics in Otolaryngology/ Lim32-hcfmusp, University of Sao Paulo School of Medicine Clinics Hospital
Classification: Uncertain significance for Autosomal dominant nonsyndromic hearing loss 17. Last evaluated: 2026-04-30. Review status: criteria provided, single submitter. Criteria: ACMG Guidelines, 2015. Collection method: research. Allele origin: germline. Affected: yes.
Comment: NM_002473.6:c.5338C>T:p.(Arg1780Trp). This variant has been classified as a variant of uncertain significance (VUS). It is rare in population databases (PM2_supporting), and in silico prediction tools support a deleterious effect on protein function (PP3). However, the available evidence is insufficient to establish a causal role for this variant in the observed phenotype as described in PMID: 42233699.

Women's Health and Genetics/Laboratory Corporation of America, LabCorp
Classification: Uncertain significance. Last evaluated: 2025-12-09. Review status: criteria provided, single submitter. Criteria: LabCorp Variant Classification Summary - May 2015. Collection method: clinical testing. Allele origin: germline.
Comment: Variant summary: MYH9 c.5338C>T (p.Arg1780Trp) results in a non-conservative amino acid change in the encoded protein sequence. Algorithms developed to predict the effect of missense changes on protein structure and function all suggest that this variant is likely to be disruptive. The variant allele was found at a frequency of 6.8e-05 in 251324 control chromosomes. This frequency is not significantly higher than estimated for disease-causing variants in MYH9, allowing no conclusion about variant significance. To our knowledge, no occurrence of c.5338C>T in individuals affected with MYH9-related conditions and no experimental evidence demonstrating its impact on protein function have been reported. ClinVar contains an entry for this variant (Variation ID: 666863). Based on the evidence outlined above, the variant was classified as uncertain significance.

Labcorp Genetics (formerly Invitae), Labcorp
Classification: Likely benign. Last evaluated: 2025-09-24. Review status: criteria provided, single submitter. Criteria: Invitae Variant Classification Sherloc (09022015). Collection method: clinical testing. Allele origin: germline.

CeGaT Center for Human Genetics Tuebingen
Classification: Uncertain significance. Last evaluated: 2024-12-01. Review status: criteria provided, single submitter. Criteria: CeGaT Center For Human Genetics Tuebingen Variant Classification Criteria Version 2. Collection method: clinical testing. Allele origin: germline. Affected: yes. Observed: 1 variant allele.
Comment: MYH9: PM5

GeneDx
Classification: Uncertain significance. Last evaluated: 2024-10-01. Review status: criteria provided, single submitter. Criteria: GeneDx Variant Classification Process June 2021. Collection method: clinical testing. Allele origin: germline. Affected: yes.
Comment: Identified in a patient with a neurodevelopment disorder and was classified as a variant of uncertain significance; this patient also harbored a de novo pathogenic variant in a separate gene (PMID: 28132692); In silico analysis supports that this missense variant has a deleterious effect on protein structure/function; This variant is associated with the following publications: (PMID: 28132692)

Fulgent Genetics
Classification: Uncertain significance for Macrothrombocytopenia and granulocyte inclusions with or without nephritis or sensorineural hearing loss; Autosomal dominant nonsyndromic hearing loss 17. Last evaluated: 2024-02-29. Review status: criteria provided, single submitter. Criteria: ACMG Guidelines, 2015. Collection method: clinical testing. Allele origin: germline.

Ambry Genetics
Classification: Uncertain significance for Inborn genetic diseases. Last evaluated: 2023-12-17. Review status: criteria provided, single submitter. Criteria: Ambry Variant Classification Scheme 2023. Collection method: clinical testing. Allele origin: germline.

UNC Molecular Genetics  Laboratory, University of North Carolina at Chapel Hill
Classification: Uncertain significance for Nephrotic syndrome. Last evaluated: 2020-09-28. Review status: criteria provided, single submitter. Criteria: ACMG Guidelines, 2015. Collection method: clinical testing. Allele origin: germline. Affected: yes. Observed: 1 heterozygote.

Athena Diagnostics
Classification: Uncertain significance. Last evaluated: 2019-02-12. Review status: criteria provided, single submitter. Criteria: Athena Diagnostics Criteria. Collection method: clinical testing. Allele origin: germline.

Laboratory for Molecular Medicine, Mass General Brigham Personalized Medicine
Classification: Uncertain significance. Last evaluated: 2018-05-18. Review status: criteria provided, single submitter. Criteria: LMM Criteria. Collection method: clinical testing. Allele origin: germline. Observed: 1 variant allele.
Comment: The p.Arg1780Trp variant in MYH9 has not been previously reported in individuals with hearing loss or MYH9-related disorder (MYH9RD), but has been identified in 19/277072 of total chromosomes across multiple populations by the Genome Aggreg ation Database (gnomAD; dbSNP rs527571090). Al though this variant has been seen in the general population, its frequency is no t high enough to rule out a pathogenic role. Computational prediction tools and conservation analysis suggest that the p.Arg1780Trp variant may impact the prote in, though this information is not predictive enough to determine pathogenicity. In summary, the clinical significance of the p.Arg1780Trp variant is uncertain. ACMG/AMP Criteria applied: BS1_Supporting; PP3.

Literature cited by the submitters: PubMed 42233699 (cited by Laboratory of Molecular, Cellular and Translation Genetics in Otolaryngology/ Lim32-hcfmusp, University of Sao Paulo School of Medicine Clinics Hospital).

NM_002473.6(MYH9):c.5338C>T (p.Arg1780Trp)

Gene: MYH9 (myosin heavy chain 9; minus strand). Cytogenetic location: 22q12.3.
Variant type: single nucleotide variant.
Coding change: c.5338C>T on transcript NM_002473.6 (MANE Select); coding-DNA position 5338, C replaced by T.
Protein change: p.Arg1780Trp; replaces arginine 1780 with tryptophan.
Molecular consequence: missense variant.
Genome position (GRCh38, 1-based): chr22:36,285,266, G>A on the plus strand (C>T on the coding strand, the complement: MYH9 is on the minus strand). VCF-style: chr22-36285266-G-A. GRCh37 (hg19) VCF-style: chr22-36681312-G-A.
Other names: short protein forms R1780W.
Identifiers: ClinVar variation 666863 (VCV000666863.32), dbSNP rs527571090, ClinGen allele CA10209080.